The following is an entry in ClinVar:

NM_000206.3(IL2RG):c.713G>A (p.Ser238Asn)

Gene: IL2RG (interleukin 2 receptor subunit gamma; minus strand). Cytogenetic location: Xq13.1.
Variant type: single nucleotide variant.
Coding change: c.713G>A on transcript NM_000206.3 (MANE Select); coding-DNA position 713, G replaced by A.
Protein change: p.Ser238Asn; replaces serine 238 with asparagine.
Molecular consequence: missense variant.
Genome position (GRCh38, 1-based): chrX:71,109,272, C>T on the plus strand (G>A on the coding strand, the complement: IL2RG is on the minus strand). VCF-style: chrX-71109272-C-T. GRCh37 (hg19) VCF-style: chrX-70329122-C-T.
Other names: short protein forms S238N.
Identifiers: ClinVar variation 1068145 (VCV001068145.9), dbSNP rs2147748142, ClinGen allele CA413495906.
Genomic context (GRCh38, chrX:71,109,272, plus strand): 5'-TGTGGGCCCATTTTACCTTTTGAAGTATTGCTCCCCCAGTGGATTGGGTGGCTCCATTCA[C>T]TCCAATGCTGAGCACTTCCACAGAGTGGGTTAAAGCGGCTCCGAACACGAAACGTGTAGC-3'
Protein context (NP_000197.1, residues 228-248): NPLCGSAQHW[Ser238Asn]EWSHPIHWGS

ClinVar aggregate classification (germline): Pathogenic (1 of 4 stars; one submission).

Conditions:
X-linked severe combined immunodeficiency (SCIDX1). Also called: X-Linked Combined Immunodeficiency Diseases; IMMUNODEFICIENCY 4; SCID, X-LINKED; SEVERE COMBINED IMMUNODEFICIENCY, X-LINKED, T CELL-NEGATIVE, B CELL-POSITIVE, NK CELL-NEGATIVE; T-B+ severe combined immunodeficiency due to gamma chain deficiency. Identifiers: Orphanet 276, MedGen C6022468, MONDO:0010315, OMIM 300400. Disease mechanism: loss of function.

Submission:

Labcorp Genetics (formerly Invitae), Labcorp
Classification: Pathogenic for X-linked severe combined immunodeficiency. Last evaluated: 2022-02-10. Review status: criteria provided, single submitter. Criteria: Invitae Variant Classification Sherloc (09022015). Collection method: clinical testing. Allele origin: germline.
Comment: This sequence change replaces serine, which is neutral and polar, with asparagine, which is neutral and polar, at codon 238 of the IL2RG protein (p.Ser238Asn). ClinVar contains an entry for this variant (Variation ID: 1068145). Advanced modeling of protein sequence and biophysical properties (such as structural, functional, and spatial information, amino acid conservation, physicochemical variation, residue mobility, and thermodynamic stability) performed at Invitae indicates that this missense variant is expected to disrupt IL2RG protein function. For these reasons, this variant has been classified as Pathogenic. This variant is not present in population databases (gnomAD no frequency). This missense change has been observed in individuals with X-linked recessive severe combined immunodeficiency (PMID: 21865537; Invitae). This variant is also known as S238D.

Literature cited by the submitters: PubMed 21865537.